The following is an entry in ClinVar:

NM_001244008.2(KIF1A):c.934A>C (p.Thr312Pro)

Gene: KIF1A (kinesin family member 1A; minus strand). Cytogenetic location: 2q37.3.
Variant type: single nucleotide variant.
Coding change: c.934A>C on transcript NM_001244008.2 (MANE Select); coding-DNA position 934, A replaced by C.
Protein change: p.Thr312Pro; replaces threonine 312 with proline.
Molecular consequence: missense variant.
Genome position (GRCh38, 1-based): chr2:240,775,875, T>G on the plus strand (A>C on the coding strand, the complement: KIF1A is on the minus strand). VCF-style: chr2-240775875-T-G. GRCh37 (hg19) VCF-style: chr2-241715292-T-G.
Other names: c.934A>C, p.Thr312Pro (NM_001320705.2, NM_001330289.2, NM_001330290.2 and 20 more transcripts); short protein forms T312P.
Identifiers: ClinVar variation 1004912 (VCV001004912.9), dbSNP rs2052660081, ClinGen allele CA351297692.

ClinVar aggregate classification (germline): Pathogenic (1 of 4 stars; one submission).

Conditions:
Neuropathy, hereditary sensory, type 2C. Also called: Hereditary sensory and autonomic neuropathy type IIC; KIF1A-Related HSAN2 (HSAN2C). Identifiers: Orphanet 970, MedGen C3280168, MONDO:0013634, OMIM 614213.
Intellectual disability, autosomal dominant 9 (NESCAVS). Also called: KIF1A-Related Neurodevelopmental Disorder; NESCAV SYNDROME. Identifiers: Orphanet 662367, MedGen C5393830, MONDO:0013656, OMIM 614255.
Hereditary spastic paraplegia 30. Identifiers: Orphanet 101010, MedGen C5235139, MONDO:0012476.

Submission:

Labcorp Genetics (formerly Invitae), Labcorp
Classification: Pathogenic for Hereditary spastic paraplegia 30; Neuropathy, hereditary sensory, type 2C; Intellectual disability, autosomal dominant 9. Last evaluated: 2021-02-01. Review status: criteria provided, single submitter. Criteria: Invitae Variant Classification Sherloc (09022015). Collection method: clinical testing. Allele origin: germline.
Comment: This sequence change replaces threonine with proline at codon 312 of the KIF1A protein (p.Thr312Pro). The threonine residue is highly conserved and there is a small physicochemical difference between threonine and proline. This variant is not present in population databases (ExAC no frequency). For these reasons, this variant has been classified as Pathogenic. Advanced modeling of protein sequence and biophysical properties (such as structural, functional, and spatial information, amino acid conservation, physicochemical variation, residue mobility, and thermodynamic stability) performed at Invitae indicates that this missense variant is expected to disrupt KIF1A protein function. This variant has been observed in individual(s) with clinical features of hereditary spastic paraplegia (Invitae). In at least one individual the variant was observed to be de novo.